The following is an entry in ClinVar:

NM_004979.6(KCND1):c.1482A>G (p.Thr494=)

Gene: KCND1 (potassium voltage-gated channel subfamily D member 1; minus strand). Cytogenetic location: Xp11.23.
Variant type: single nucleotide variant.
Coding change: c.1482A>G on transcript NM_004979.6 (MANE Select); coding-DNA position 1482, A replaced by G.
Protein change: p.Thr494=; no amino-acid change (threonine 494 retained).
Molecular consequence: synonymous variant.
Genome position (GRCh38, 1-based): chrX:48,966,291, T>C on the plus strand (A>G on the coding strand, the complement: KCND1 is on the minus strand). VCF-style: chrX-48966291-T-C. GRCh37 (hg19) VCF-style: chrX-48822698-T-C.
Identifiers: ClinVar variation 2660492 (VCV002660492.24), dbSNP rs782456890, ClinGen allele CA10406727.

ClinVar aggregate classification (germline): Likely benign (1 of 4 stars; one submission).

Allele frequency attached by ClinVar (database versions not stated): gnomAD exomes 0.00001; ExAC 0.00004.
gnomAD v4.1: 10 of 1,183,347 alleles (0.00085%); highest among the groups gnomAD compares: Non-Finnish European, 0.001%; no homozygotes.

Submission:

CeGaT Center for Human Genetics Tuebingen
Classification: Likely benign. Last evaluated: 2022-07-01. Review status: criteria provided, single submitter. Criteria: CeGaT Center For Human Genetics Tuebingen Variant Classification Criteria Version 2. Collection method: clinical testing. Allele origin: germline. Affected: yes. Observed: 1 variant allele.
Comment: KCND1: BP4, BP7